The following is an entry in ClinVar:

ClinVar aggregate classification (germline): Uncertain significance (1 of 4 stars; one submission).

Conditions:
Short-rib thoracic dysplasia 14 with polydactyly (SRTD14). Identifiers: Orphanet 397715, MedGen C4225286, MONDO:0014688, OMIM 616546.
Joubert syndrome 23 (JBTS23). Identifiers: Orphanet 475, MedGen C4084822, MONDO:0014664, OMIM 616490.

Allele frequency attached by ClinVar (database versions not stated): gnomAD exomes 0.00001.
gnomAD v4.1: 5 of 443,186 alleles (0.0011%); highest among the groups gnomAD compares: South Asian, 0.0047%; 1 homozygote.

Submission:

Labcorp Genetics (formerly Invitae), Labcorp
Classification: Uncertain significance for Joubert syndrome 23; Short-rib thoracic dysplasia 14 with polydactyly. Last evaluated: 2025-09-02. Review status: criteria provided, single submitter. Criteria: Invitae Variant Classification Sherloc (09022015). Collection method: clinical testing. Allele origin: germline.
Comment: This sequence change replaces serine, which is neutral and polar, with glycine, which is neutral and non-polar, at codon 169 of the KIAA0586 protein (p.Ser169Gly). This variant is present in population databases (rs561685283, gnomAD 0.01%). This variant has not been reported in the literature in individuals affected with KIAA0586-related conditions. ClinVar contains an entry for this variant (Variation ID: 2183196). An algorithm developed to predict the effect of missense changes on protein structure and function (PolyPhen-2) suggests that this variant is likely to be tolerated. In summary, the available evidence is currently insufficient to determine the role of this variant in disease. Therefore, it has been classified as a Variant of Uncertain Significance.

NM_001329943.3(KIAA0586):c.411-1427A>G

Gene: KIAA0586 (KIAA0586; plus strand). Cytogenetic location: 14q23.1.
Variant type: single nucleotide variant.
Coding change: c.411-1427A>G on transcript NM_001329943.3 (MANE Select); 1427 bases into the intron before coding-DNA position 411, A replaced by G.
Molecular consequence: intron variant. On other transcripts: missense variant (2).
Genome position (GRCh38, 1-based): chr14:58,441,279, A>G. VCF-style: chr14-58441279-A-G. GRCh37 (hg19) VCF-style: chr14-58907997-A-G.
Other names: c.505A>G, p.Ser169Gly (NM_001244189.2); c.214A>G, p.Ser72Gly (NM_001244192.2); c.366-1427A>G (NM_001244190.2); c.156-1427A>G (NM_001244191.2, NM_001364701.2, NM_001329945.2 and 1 more transcripts); c.411-1427A>G (NM_001329944.2, NM_001329946.2, NM_001329947.2 and 1 more transcripts); c.-10-1427A>G (NM_001244193.2); short protein forms S169G, S72G.
Identifiers: ClinVar variation 2183196 (VCV002183196.2), dbSNP rs561685283, ClinGen allele CA261610330.